The following is an entry in ClinVar:

ClinVar aggregate classification (germline): Uncertain significance (1 of 4 stars; one submission).

Allele frequency attached by ClinVar (database versions not stated): TOPMed below 0.00001; gnomAD 0.00001.
gnomAD v4.1: 2 of 1,614,094 alleles (0.00012%); highest among the groups gnomAD compares: African/African-American, 0.0027%; no homozygotes.

Submission:

Labcorp Genetics (formerly Invitae), Labcorp
Classification: Uncertain significance. Last evaluated: 2021-05-04. Review status: criteria provided, single submitter. Criteria: Invitae Variant Classification Sherloc (09022015). Collection method: clinical testing. Allele origin: germline.
Comment: This sequence change falls in intron 59 of the COL7A1 gene. It does not directly change the encoded amino acid sequence of the COL7A1 protein. This variant is not present in population databases (ExAC no frequency). This variant has not been reported in the literature in individuals with COL7A1-related conditions. Algorithms developed to predict the effect of sequence changes on RNA splicing suggest that this variant may disrupt the consensus splice site, but this prediction has not been confirmed by published transcriptional studies. In summary, the available evidence is currently insufficient to determine the role of this variant in disease. Therefore, it has been classified as a Variant of Uncertain Significance.

NM_000094.4(COL7A1):c.5272-6C>A

Gene: COL7A1 (collagen type VII alpha 1 chain; minus strand). Cytogenetic location: 3p21.31.
Variant type: single nucleotide variant.
Coding change: c.5272-6C>A on transcript NM_000094.4 (MANE Select); 6 bases into the intron before coding-DNA position 5272, C replaced by A.
Molecular consequence: intron variant.
Genome position (GRCh38, 1-based): chr3:48,579,410, G>T on the plus strand (C>A on the coding strand, the complement: COL7A1 is on the minus strand). VCF-style: chr3-48579410-G-T. GRCh37 (hg19) VCF-style: chr3-48616843-G-T.
Identifiers: ClinVar variation 1948094 (VCV001948094.2), dbSNP rs1420016603, ClinGen allele CA542791697.
Genomic context (GRCh38, chr3:48,579,410, plus strand): 5'-AACCCCCACACCCTCTCACCTTTTCTCCTGCTGGGCCTCGGACACCTGGGTCCCCCTGGA[G>T]GGAACAGGGTCAGATAAGAGGTGAGGGTAAGATGGGGACTTGGCAGACGGGGCAAAGTGC-3'